The following is an entry in ClinVar:

ClinVar aggregate classification (germline): Uncertain significance (1 of 4 stars; one submission).

Submission:

GeneDx
Classification: Uncertain significance. Last evaluated: 2022-08-22. Review status: criteria provided, single submitter. Criteria: GeneDx Variant Classification Process June 2021. Collection method: clinical testing. Allele origin: germline. Affected: yes.
Comment: Not observed at significant frequency in large population cohorts (gnomAD); In silico analysis supports that this missense variant has a deleterious effect on protein structure/function; Has not been previously published as pathogenic or benign to our knowledge

NM_000245.4(MET):c.1227T>G (p.Cys409Trp)

Gene: MET (MET proto-oncogene, receptor tyrosine kinase; plus strand). Cytogenetic location: 7q31.2.
Variant type: single nucleotide variant.
Coding change: c.1227T>G on transcript NM_000245.4 (MANE Select); coding-DNA position 1227, T replaced by G.
Protein change: p.Cys409Trp; replaces cysteine 409 with tryptophan.
Molecular consequence: missense variant. On other transcripts: 5 prime UTR variant (1).
Genome position (GRCh38, 1-based): chr7:116,731,694, T>G. VCF-style: chr7-116731694-T-G. GRCh37 (hg19) VCF-style: chr7-116371748-T-G.
Other names: c.1227T>G, p.Cys409Trp (NM_001127500.3, NM_001324401.3); c.-64T>G (NM_001324402.2); short protein forms C409W.
Identifiers: ClinVar variation 2430540 (VCV002430540.1), dbSNP rs2116779815, ClinGen allele CA368972727.